The following is an entry in ClinVar:

NM_001267550.2(TTN):c.28224T>C (p.Ala9408=)

Gene: TTN (titin; minus strand). Cytogenetic location: 2q31.2.
Variant type: single nucleotide variant.
Coding change: c.28224T>C on transcript NM_001267550.2 (MANE Select); coding-DNA position 28224, T replaced by C.
Protein change: p.Ala9408=; no amino-acid change (alanine 9408 retained).
Molecular consequence: synonymous variant. On other transcripts: intron variant (3).
Genome position (GRCh38, 1-based): chr2:178,710,873, A>G on the plus strand (T>C on the coding strand, the complement: TTN is on the minus strand). VCF-style: chr2-178710873-A-G. GRCh37 (hg19) VCF-style: chr2-179575600-A-G.
Other names: c.27273T>C, p.Ala9091= (NM_001256850.1); c.24492T>C, p.Ala8164= (NM_133378.4); c.13282+27209T>C (NM_003319.4); c.13858+27209T>C (NM_133437.4); c.13657+27209T>C (NM_133432.3).
Identifiers: ClinVar variation 1581920 (VCV001581920.9), dbSNP rs2154295102, ClinGen allele CA430284216.

ClinVar aggregate classification (germline): Likely benign. Review status: criteria provided, multiple submitters, no conflicts (2 of 4 stars). 2 submissions from 2 submitters: Likely benign (2). Last evaluated 2026-09-21.

Conditions:
Autosomal recessive limb-girdle muscular dystrophy type 2J (LGMDR10). Also called: MUSCULAR DYSTROPHY, LIMB-GIRDLE, AUTOSOMAL RECESSIVE 10; Limb-girdle muscular dystrophy, type 2J. Identifiers: Orphanet 140922, MedGen C1837342, MONDO:0012127, OMIM 608807.
Dilated cardiomyopathy 1G (CMD1G). Identifiers: Orphanet 154, MedGen C1858763, MONDO:0011400, OMIM 604145.

Submissions (2):

Molecular Diagnostic Laboratory for Inherited Cardiovascular Disease, Montreal Heart Institute
Classification: Likely benign. Last evaluated: 2026-09-21. Review status: criteria provided, single submitter. Criteria: ACMG Guidelines, 2015. Collection method: clinical testing. Allele origin: germline. Affected: no.
Comment: BP7

Labcorp Genetics (formerly Invitae), Labcorp
Classification: Likely benign for Dilated cardiomyopathy 1G; Autosomal recessive limb-girdle muscular dystrophy type 2J. Last evaluated: 2025-03-13. Review status: criteria provided, single submitter. Criteria: Invitae Variant Classification Sherloc (09022015). Collection method: clinical testing. Allele origin: germline.